The following is an entry in ClinVar:

ClinVar aggregate classification (germline): Uncertain significance. Review status: criteria provided, multiple submitters, no conflicts (2 of 4 stars). 2 submissions from 2 submitters: Uncertain significance (2). Last evaluated 2025-08-08.

Conditions:
Inborn genetic diseases. Identifiers: MedGen C0950123, MeSH D030342.

gnomAD v4.1: 33 of 1,613,968 alleles (0.002%); highest among the groups gnomAD compares: Non-Finnish European, 0.0024%; no homozygotes.

Submissions (2):

Ambry Genetics
Classification: Uncertain significance for Inborn genetic diseases. Last evaluated: 2025-08-08. Review status: criteria provided, single submitter. Criteria: Ambry Variant Classification Scheme 2023. Collection method: clinical testing. Allele origin: germline.

Labcorp Genetics (formerly Invitae), Labcorp
Classification: Uncertain significance. Last evaluated: 2025-01-13. Review status: criteria provided, single submitter. Criteria: Invitae Variant Classification Sherloc (09022015). Collection method: clinical testing. Allele origin: germline.
Comment: This sequence change replaces arginine, which is basic and polar, with lysine, which is basic and polar, at codon 1727 of the EXPH5 protein (p.Arg1727Lys). This variant is present in population databases (rs778865772, gnomAD 0.005%). This variant has not been reported in the literature in individuals affected with EXPH5-related conditions. An algorithm developed to predict the effect of missense changes on protein structure and function outputs the following: PolyPhen-2: "Benign". The lysine amino acid residue is found in multiple mammalian species, which suggests that this missense change does not adversely affect protein function. In summary, the available evidence is currently insufficient to determine the role of this variant in disease. Therefore, it has been classified as a Variant of Uncertain Significance.

NM_015065.3(EXPH5):c.5180G>A (p.Arg1727Lys)

Gene: EXPH5 (exophilin 5; minus strand). Cytogenetic location: 11q22.3.
Variant type: single nucleotide variant.
Coding change: c.5180G>A on transcript NM_015065.3 (MANE Select); coding-DNA position 5180, G replaced by A.
Protein change: p.Arg1727Lys; replaces arginine 1727 with lysine.
Molecular consequence: missense variant.
Genome position (GRCh38, 1-based): chr11:108,510,327, C>T on the plus strand (G>A on the coding strand, the complement: EXPH5 is on the minus strand). VCF-style: chr11-108510327-C-T. GRCh37 (hg19) VCF-style: chr11-108381054-C-T.
Other names: c.5180G>A (NM_015065.2); c.4952G>A, p.Arg1651Lys (NM_001144763.2); c.4712G>A, p.Arg1571Lys (NM_001144764.2); c.4616G>A, p.Arg1539Lys (NM_001144765.2); c.5159G>A, p.Arg1720Lys (NM_001308019.2); short protein forms R1539K, R1571K, R1651K, R1720K, R1727K.
Identifiers: ClinVar variation 3617796 (VCV003617796.3).